The following is an entry in ClinVar:

ClinVar aggregate classification (germline): Uncertain significance (1 of 4 stars; one submission).

Conditions:
Werner syndrome (WRN). Identifiers: Orphanet 902, MedGen C0043119, MONDO:0010196, OMIM 277700.

Allele frequency attached by ClinVar (database versions not stated): gnomAD exomes below 0.00001 and 0.00001; TOPMed below 0.00001.
gnomAD v4.1: 5 of 1,612,176 alleles (0.00031%); highest among the groups gnomAD compares: East Asian, 0.0022%; no homozygotes.

Submission:

Labcorp Genetics (formerly Invitae), Labcorp
Classification: Uncertain significance for Werner syndrome. Last evaluated: 2022-08-23. Review status: criteria provided, single submitter. Criteria: Invitae Variant Classification Sherloc (09022015). Collection method: clinical testing. Allele origin: germline.
Comment: This sequence change replaces isoleucine, which is neutral and non-polar, with valine, which is neutral and non-polar, at codon 873 of the WRN protein (p.Ile873Val). This variant is present in population databases (no rsID available, gnomAD 0.006%). This variant has not been reported in the literature in individuals affected with WRN-related conditions. ClinVar contains an entry for this variant (Variation ID: 1523703). Algorithms developed to predict the effect of missense changes on protein structure and function are either unavailable or do not agree on the potential impact of this missense change (SIFT: "Not Available"; PolyPhen-2: "Benign"; Align-GVGD: "Not Available"). In summary, the available evidence is currently insufficient to determine the role of this variant in disease. Therefore, it has been classified as a Variant of Uncertain Significance.

NM_000553.6(WRN):c.2617A>G (p.Ile873Val)

Gene: WRN (WRN RecQ like helicase; plus strand). Cytogenetic location: 8p12.
Variant type: single nucleotide variant.
Coding change: c.2617A>G on transcript NM_000553.6 (MANE Select); coding-DNA position 2617, A replaced by G.
Protein change: p.Ile873Val; replaces isoleucine 873 with valine.
Molecular consequence: missense variant.
Genome position (GRCh38, 1-based): chr8:31,120,411, A>G. VCF-style: chr8-31120411-A-G. GRCh37 (hg19) VCF-style: chr8-30977927-A-G.
Other names: short protein forms I873V.
Identifiers: ClinVar variation 1523703 (VCV001523703.3), dbSNP rs1563363216, ClinGen allele CA370915809.
Genomic context (GRCh38, chr8:31,120,411, plus strand): 5'-GGTAGAGCTGGTCGTGATGGACTTCAAAGTTCTTGTCACGTCCTCTGGGCTCCTGCAGAC[A>G]TTAACTTAAATAGGTAAAAAAAATTTATTGTTTTTACTCTTGCAGATTTCTTTCTTTCTT-3'
Protein context (NP_000544.2, residues 863-883): SCHVLWAPAD[Ile873Val]NLNRHLLTEI